The following is an entry in ClinVar:

NC_000016.9:g.(?_8844259)_(8875287_?)del

Gene: ABAT (4-aminobutyrate aminotransferase; plus strand). Cytogenetic location: 16p13.2.
Variant type: Deletion.
Identifiers: ClinVar variation 1522891 (VCV001522891.8).

ClinVar aggregate classification (germline): Likely pathogenic (1 of 4 stars; one submission).

Conditions:
Gamma-aminobutyric acid transaminase deficiency (GABATD). Also called: GABA transaminase deficiency; Gamma aminobutyrate transaminase deficiency; 4 alpha aminobutyrate transaminase deficiency; GABA aminotransaminase deficiency. Identifiers: Orphanet 2066, MedGen C0342708, MONDO:0013166, OMIM 613163.

Submission:

Labcorp Genetics (formerly Invitae), Labcorp
Classification: Likely pathogenic for Gamma-aminobutyric acid transaminase deficiency. Last evaluated: 2022-08-16. Review status: criteria provided, single submitter. Criteria: Invitae Variant Classification Sherloc (09022015). Collection method: clinical testing. Allele origin: germline.
Comment: In summary, the currently available evidence indicates that the variant is pathogenic, but additional data are needed to prove that conclusively. Therefore, this variant has been classified as Likely Pathogenic. This variant disrupts the p.Arg92 amino acid residue in ABAT. Other variant(s) that disrupt this residue have been determined to be pathogenic (PMID: 20052547, 25738457, 30617166). This suggests that this residue is clinically significant, and that variants that disrupt this residue are likely to be disease-causing. This variant has not been reported in the literature in individuals affected with ABAT-related conditions. This variant is a gross deletion of the genomic region encompassing exon(s) 5-16 of the ABAT gene, which includes the termination codon. This deletion extends beyond the assayed region for this gene and therefore may encompass additional genes. While this deletion is not anticipated to lead to nonsense mediated decay, it is expected to alter mRNA translation or result in a truncated protein product.

Literature cited by the submitters: PubMed 20052547; PubMed 25738457; PubMed 30617166.